The following is an entry in ClinVar:

NM_005006.7(NDUFS1):c.654G>A (p.Leu218=)

Gene: NDUFS1 (NADH:ubiquinone oxidoreductase core subunit S1; minus strand). Cytogenetic location: 2q33.3.
Variant type: single nucleotide variant.
Coding change: c.654G>A on transcript NM_005006.7 (MANE Select); coding-DNA position 654, G replaced by A.
Protein change: p.Leu218=; no amino-acid change (leucine 218 retained).
Molecular consequence: synonymous variant.
Genome position (GRCh38, 1-based): chr2:206,146,986, C>T on the plus strand (G>A on the coding strand, the complement: NDUFS1 is on the minus strand). VCF-style: chr2-206146986-C-T. GRCh37 (hg19) VCF-style: chr2-207011710-C-T.
Other names: p.Leu218=; c.546G>A, p.Leu182= (NM_001199981.2); c.321G>A, p.Leu107= (NM_001199982.2); c.483G>A, p.Leu161= (NM_001199983.2); c.696G>A, p.Leu232= (NM_001199984.2); c.654G>A (NM_005006.6).
Identifiers: ClinVar variation 2150709 (VCV002150709.8), dbSNP rs139313305, ClinGen allele CA2070711.
Genomic context (GRCh38, chr2:206,146,986, plus strand): 5'-AAAGGCATAGGGCTTAGAGGTTAGGGCACCTACAGGGCAGATATCAATGATATTCCCAGA[C>T]AGTTCAGACATGAACATCTTTTCAATGTATGTGCCAACTTGCATATCATTTCCTCTGCCT-3'
Protein context (NP_004997.4, residues 208-228): TYIEKMFMSE[Leu218=]SGNIIDICPV

ClinVar aggregate classification (germline): Likely benign. Review status: criteria provided, multiple submitters, no conflicts (2 of 4 stars). 4 submissions from 4 submitters: Likely benign (3). 1 of the submissions does not count toward it. Last evaluated 2025-09-09.

Conditions:
NDUFS1-related disorder. Also called: NDUFS1-related condition.

Allele frequency attached by ClinVar (database versions not stated): ExAC 0.00004; gnomAD 0.00004; ESP Exome Variant Server 0.00008; TOPMed 0.00010.
gnomAD v4.1: 38 of 1,614,012 alleles (0.0024%); highest among the groups gnomAD compares: African/African-American, 0.016%; no homozygotes.

Submissions (4):

Mayo Clinic Laboratories, Mayo Clinic
Classification: Likely benign. Last evaluated: 2025-09-09. Review status: criteria provided, single submitter. Criteria: ACMG Guidelines, 2015. Collection method: clinical testing. Allele origin: germline. Observed: 1 variant allele.
Comment: BP4, BP7, PM2_supporting

Labcorp Genetics (formerly Invitae), Labcorp
Classification: Likely benign. Last evaluated: 2022-06-19. Review status: criteria provided, single submitter. Criteria: Invitae Variant Classification Sherloc (09022015). Collection method: clinical testing. Allele origin: germline.

Blueprint Genetics
Classification: Likely benign. Last evaluated: 2021-10-16. Review status: criteria provided, single submitter. Criteria: ACMG Guidelines, 2015. Collection method: clinical testing. Allele origin: germline.

PreventionGenetics, part of Exact Sciences
Classification: Likely benign for NDUFS1-related condition. Last evaluated: 2019-08-28. Review status: no assertion criteria provided. Collection method: clinical testing. Allele origin: germline. Not counted in ClinVar's aggregate classification.
Comment: This variant is classified as likely benign based on ACMG/AMP sequence variant interpretation guidelines (Richards et al. 2015 PMID: 25741868, with internal and published modifications).